The following is an entry in ClinVar:

NM_024675.4(PALB2):c.2013A>G (p.Leu671=)

Gene: PALB2 (partner and localizer of BRCA2; minus strand). Cytogenetic location: 16p12.2.
Variant type: single nucleotide variant.
Coding change: c.2013A>G on transcript NM_024675.4 (MANE Select); coding-DNA position 2013, A replaced by G.
Protein change: p.Leu671=; no amino-acid change (leucine 671 retained).
Molecular consequence: synonymous variant. On other transcripts: intron variant (1).
Genome position (GRCh38, 1-based): chr16:23,630,141, T>C on the plus strand (A>G on the coding strand, the complement: PALB2 is on the minus strand). VCF-style: chr16-23630141-T-C. GRCh37 (hg19) VCF-style: chr16-23641462-T-C.
Other names: c.1953A>G, p.Leu651= (NM_001407296.1); c.2013A>G, p.Leu671= (NM_001407297.1, NM_001407298.1, NM_001407299.1 and 3 more transcripts); c.1128A>G, p.Leu376= (NM_001407304.1, NM_001407305.1, NM_001407306.1 and 5 more transcripts); c.225A>G, p.Leu75= (NM_001407312.1, NM_001407313.1); c.49-866A>G (NM_001407314.1).
Identifiers: ClinVar variation 3903881 (VCV003903881.1).

ClinVar aggregate classification (germline): Benign (1 of 4 stars; one submission).

Conditions:
Familial cancer of breast. Also called: Hereditary breast cancer; hereditary breast carcinoma; BREAST CANCER, FAMILIAL. Identifiers: Orphanet 227535, MedGen C0346153, MONDO:0016419, OMIM 114480. Disease mechanism: loss of function.

Submission:

Myriad Genetics, Inc.
Classification: Benign for Familial cancer of breast. Last evaluated: 2025-01-15. Review status: criteria provided, single submitter. Criteria: Myriad Autosomal Dominant, Autosomal Recessive and X-Linked Classification Criteria (2023). Collection method: clinical testing. Allele origin: unknown.
Comment: This variant is considered benign. This variant is a silent/synonymous amino acid change and it is not expected to impact splicing.